The following is an entry in ClinVar:

NM_006904.7(PRKDC):c.8660C>T (p.Pro2887Leu)

Genes: PRKDC (protein kinase, DNA-activated, catalytic subunit; minus strand), LOC121740717 (Sharpr-MPRA regulatory region 7649; plus strand). Cytogenetic location: 8q11.21.
Variant type: single nucleotide variant.
Coding change: c.8660C>T on transcript NM_006904.7 (MANE Select); coding-DNA position 8660, C replaced by T.
Protein change: p.Pro2887Leu; replaces proline 2887 with leucine.
Molecular consequence: missense variant.
Genome position (GRCh38, 1-based): chr8:47,826,779, G>A on the plus strand (C>T on the coding strand, the complement: PRKDC is on the minus strand). VCF-style: chr8-47826779-G-A. GRCh37 (hg19) VCF-style: chr8-48739340-G-A.
Other names: c.8660C>T, p.Pro2887Leu (NM_001081640.2); short protein forms P2887L.
Identifiers: ClinVar variation 1764227 (VCV001764227.3), dbSNP rs2551866144, ClinGen allele CA371143883.

ClinVar aggregate classification (germline): Benign/Likely benign. Review status: criteria provided, multiple submitters, no conflicts (2 of 4 stars). 2 submissions from 2 submitters: Benign (1); Likely benign (1). Last evaluated 2022-09-12.

Conditions:
PRKDC-related disorder. Also called: PRKDC-related condition.

Submissions (2):

Ambry Genetics
Classification: Likely benign. Last evaluated: 2022-09-12. Review status: criteria provided, single submitter. Criteria: Ambry Variant Classification Scheme 2023. Collection method: clinical testing. Allele origin: germline.

PreventionGenetics, part of Exact Sciences
Classification: Benign for PRKDC-related condition. Last evaluated: 2019-07-08. Review status: criteria provided, single submitter. Criteria: ACMG Guidelines, 2015. Collection method: clinical testing. Allele origin: germline.
Comment: This variant is classified as benign based on ACMG/AMP sequence variant interpretation guidelines (Richards et al. 2015 PMID: 25741868, with internal and published modifications).